The following is an entry in ClinVar:

NM_020779.4(WDR35):c.1714C>T (p.Gln572Ter)

Gene: WDR35 (WD repeat domain 35; minus strand). Cytogenetic location: 2p24.1.
Variant type: single nucleotide variant.
Coding change: c.1714C>T on transcript NM_020779.4 (MANE Select); coding-DNA position 1714, C replaced by T.
Protein change: p.Gln572Ter; replaces glutamine 572 with a stop codon.
Molecular consequence: nonsense.
Genome position (GRCh38, 1-based): chr2:19,945,917, G>A on the plus strand (C>T on the coding strand, the complement: WDR35 is on the minus strand). VCF-style: chr2-19945917-G-A. GRCh37 (hg19) VCF-style: chr2-20145678-G-A.
Other names: c.1747C>T, p.Gln583Ter (NM_001006657.2); short protein forms Q572*, Q583*.
Identifiers: ClinVar variation 3759851 (VCV003759851.2).

ClinVar aggregate classification (germline): Pathogenic (1 of 4 stars; one submission).

Conditions:
Short-rib thoracic dysplasia 7 with or without polydactyly (SRTD7). Also called: Short rib polydactyly syndrome 5; SHORT-RIB THORACIC DYSPLASIA 7 WITH POLYDACTYLY. Identifiers: Orphanet 498497, Orphanet 93271, MedGen C3279792, MONDO:0013569, OMIM 614091.
Cranioectodermal dysplasia 2 (CED2). Identifiers: Orphanet 1515, MedGen C3150874, MONDO:0013323, OMIM 613610.

gnomAD v4.1: 1 of 1,613,750 alleles (0.000062%); highest among the groups gnomAD compares: Non-Finnish European, 0.000085%; no homozygotes.

Submission:

Labcorp Genetics (formerly Invitae), Labcorp
Classification: Pathogenic for Cranioectodermal dysplasia 2; Short-rib thoracic dysplasia 7 with or without polydactyly. Last evaluated: 2025-04-17. Review status: criteria provided, single submitter. Criteria: Invitae Variant Classification Sherloc (09022015). Collection method: clinical testing. Allele origin: germline.
Comment: This sequence change creates a premature translational stop signal (p.Gln583*) in the WDR35 gene. It is expected to result in an absent or disrupted protein product. Loss-of-function variants in WDR35 are known to be pathogenic (PMID: 22486404, 29068549). This variant is not present in population databases (gnomAD no frequency). This variant has not been reported in the literature in individuals affected with WDR35-related conditions. ClinVar contains an entry for this variant (Variation ID: 3759851). Algorithms developed to predict the effect of sequence changes on RNA splicing suggest that this variant may disrupt the consensus splice site. For these reasons, this variant has been classified as Pathogenic.

Literature cited by the submitters: PubMed 22486404; PubMed 29068549.